The following is an entry in ClinVar:

NM_172245.4(CSF2RA):c.585C>T (p.Asn195=)

Gene: CSF2RA (colony stimulating factor 2 receptor subunit alpha; plus strand). Cytogenetic location: Xp22.33.
Variant type: single nucleotide variant.
Coding change: c.585C>T on transcript NM_172245.4 (MANE Select); coding-DNA position 585, C replaced by T.
Protein change: p.Asn195=; no amino-acid change (asparagine 195 retained).
Molecular consequence: synonymous variant. On other transcripts: non-coding transcript variant (1).
Genome position (GRCh38, 1-based): chrX:1,290,448, C>T. VCF-style: chrX-1290448-C-T. GRCh37 (hg19) VCF-style: chrX-1409341-C-T.
Other names: c.585C>T, p.Asn195= (NM_001161529.2, NM_001161530.2, NM_001161531.2 and 20 more transcripts); c.186C>T, p.Asn62= (NM_001161532.2).
Identifiers: ClinVar variation 1157187 (VCV001157187.30), dbSNP rs140515543, ClinGen allele CA10330872.
Genomic context (GRCh38, chrX:1,290,448, plus strand): 5'-TGTGGGATGTCACCTGGATAACCTGTCAGGATTAACGTCTCGCAATTACTTTCTGGTTAA[C>T]GGAACCAGCCGAGAAATTGGCATCCAATTCTTTGATTCACTTTTGGACACAAAGAAAATA-3'
Protein context (NP_758448.1, residues 185-205): GLTSRNYFLV[Asn195=]GTSREIGIQF

ClinVar aggregate classification (germline): Likely benign. Review status: criteria provided, multiple submitters, no conflicts (2 of 4 stars). 2 submissions from 2 submitters: Likely benign (2). Last evaluated 2026-02-01.

Conditions:
Surfactant metabolism dysfunction, pulmonary, 4 (SMDP4). Also called: CSF2RA DEFICIENCY; PAP DUE TO CSF2RA DEFICIENCY; PULMONARY ALVEOLAR PROTEINOSIS, CONGENITAL, 4. Identifiers: Orphanet 264675, MedGen C2677877, MONDO:0010424, OMIM 300770.

Allele frequency attached by ClinVar (database versions not stated): gnomAD 0.00007 and 0.00008; gnomAD exomes 0.00009 and 0.00016; TOPMed 0.00010; ExAC 0.00014; ESP Exome Variant Server 0.00023.
gnomAD v4.1: 147 of 1,613,724 alleles (0.0091%); highest among the groups gnomAD compares: Admixed American, 0.012%; 1 homozygote.

Submissions (2):

Labcorp Genetics (formerly Invitae), Labcorp
Classification: Likely benign for Surfactant metabolism dysfunction, pulmonary, 4. Last evaluated: 2026-02-01. Review status: criteria provided, single submitter. Criteria: Invitae Variant Classification Sherloc (09022015). Collection method: clinical testing. Allele origin: germline.

CeGaT Center for Human Genetics Tuebingen
Classification: Likely benign. Last evaluated: 2024-03-01. Review status: criteria provided, single submitter. Criteria: CeGaT Center For Human Genetics Tuebingen Variant Classification Criteria Version 2. Collection method: clinical testing. Allele origin: germline. Affected: yes. Observed: 1 variant allele.
Comment: CSF2RA: BP4, BP7, BS2